The following is an entry in ClinVar:

NM_001754.5(RUNX1):c.415A>G (p.Asn139Asp)

Genes: RUNX1 (RUNX family transcription factor 1; minus strand), RUNX1-AS1 (RUNX1 antisense RNA 1; plus strand). Cytogenetic location: 21q22.12.
Variant type: single nucleotide variant.
Coding change: c.415A>G on transcript NM_001754.5 (MANE Select); coding-DNA position 415, A replaced by G.
Protein change: p.Asn139Asp; replaces asparagine 139 with aspartic acid.
Molecular consequence: missense variant.
Genome position (GRCh38, 1-based): chr21:34,880,650, T>C on the plus strand (A>G on the coding strand, the complement: RUNX1 is on the minus strand). VCF-style: chr21-34880650-T-C. GRCh37 (hg19) VCF-style: chr21-36252947-T-C.
Other names: NM_001754.5(RUNX1):c.415A>G; p.Asn139Asp; c.334A>G, p.Asn112Asp (NM_001001890.3, NM_001122607.2); short protein forms N112D, N139D.
Identifiers: ClinVar variation 2047695 (VCV002047695.5), dbSNP rs2146362602, ClinGen allele CA410202662.

ClinVar aggregate classification (germline): Uncertain significance. Review status: reviewed by expert panel (3 of 4 stars). 2 submissions from 2 submitters: Uncertain significance (1). 1 of the submissions does not count toward it. Last evaluated 2024-07-11.

Conditions:
Hereditary thrombocytopenia and hematologic cancer predisposition syndrome. Identifiers: Orphanet 71290, MedGen CN281654, MONDO:0011071.
Hereditary thrombocytopenia and hematological cancer predisposition syndrome associated with RUNX1. Also called: Familial Platelet Disorder with Propensity to Acute Myelogenous Leukemia; Familial thrombocytopenia with propensity to acute myelogenous leukemia; PLATELET DISORDER, ASPIRIN-LIKE; RUNX1 Familial Platelet Disorder with Associated Myeloid Malignancies. Identifiers: Orphanet 71290, MedGen C1832388, MeSH C563324, MONDO:0100083, OMIM 601399.

Submissions (2):

ClinGen Myeloid Malignancy Variant Curation Expert Panel
Classification: Uncertain significance for Hereditary thrombocytopenia and hematologic cancer predisposition syndrome. Last evaluated: 2024-07-11. Review status: reviewed by expert panel. Criteria: ClinGen MyeloMalig ACMG Specifications v2. Collection method: curation. Allele origin: germline. Inheritance: Autosomal dominant inheritance.
Comment: NM_001754.5(RUNX1): c.415A>G (p.Asn139Asp) is a missense variant within the Runt Homology Domain (AA 89-204) (PM1_supporting). This variant has a REVEL score of 0.928 (PP3). Additionally, this variant is completely absent from all population databases with at least 20x coverage for RUNX1 (PM2_supporting). In summary, the clinical significance of this variant is uncertain. ACMG/AMP criteria applied, as specified by the Myeloid Malignancy Variant Curation Expert Panel for RUNX1: PP3, PM1_supporting, PM2_supporting.

Labcorp Genetics (formerly Invitae), Labcorp
Classification: Uncertain significance for Hereditary thrombocytopenia and hematological cancer predisposition syndrome associated with RUNX1. Last evaluated: 2022-06-16. Review status: criteria provided, single submitter. Criteria: Invitae Variant Classification Sherloc (09022015). Collection method: clinical testing. Allele origin: germline. Not counted in ClinVar's aggregate classification.
Comment: This sequence change replaces asparagine, which is neutral and polar, with aspartic acid, which is acidic and polar, at codon 139 of the RUNX1 protein (p.Asn139Asp). In summary, the available evidence is currently insufficient to determine the role of this variant in disease. Therefore, it has been classified as a Variant of Uncertain Significance. Algorithms developed to predict the effect of missense changes on protein structure and function are either unavailable or do not agree on the potential impact of this missense change (SIFT: "Tolerated"; PolyPhen-2: "Probably Damaging"; Align-GVGD: "Class C0"). This variant has not been reported in the literature in individuals affected with RUNX1-related conditions. This variant is not present in population databases (gnomAD no frequency).